The following is an entry in ClinVar:

ClinVar aggregate classification (germline): Uncertain significance. Review status: criteria provided, multiple submitters, no conflicts (2 of 4 stars). 5 submissions from 5 submitters: Uncertain significance (5). Last evaluated 2026-09-10.

Conditions:
GSN-related disorder. Also called: GSN-related condition.
Inborn genetic diseases. Identifiers: MedGen C0950123, MeSH D030342.
Finnish type amyloidosis. Also called: AMYLOID CRANIAL NEUROPATHY WITH LATTICE CORNEAL DYSTROPHY; AMYLOIDOSIS DUE TO MUTANT GELSOLIN; Lattice corneal dystrophy associated with familial systemic amyloidosis; Meretoja's syndrome; Lattice dystrophy of the cornea with hereditary generalized amyloidosis; Amyloidosis, familial, Finnish type. Identifiers: Orphanet 85448, MedGen C1622345, MONDO:0007097, OMIM 105120.

Submissions (5):

PreventionGenetics, part of Exact Sciences
Classification: Uncertain significance for GSN-related condition. Last evaluated: 2026-09-10. Review status: criteria provided, single submitter. Criteria: ACMG Guidelines, 2015. Collection method: clinical testing. Allele origin: germline.
Comment: The GSN c.45_65dup21 variant is predicted to result in an in-frame duplication (p.Ala17_Leu23dup). To our knowledge, this variant has not been reported in the literature or in a large population database (gnomAD), indicating this variant is rare. At this time, the clinical significance of this variant is uncertain due to the absence of conclusive functional and genetic evidence.

Labcorp Genetics (formerly Invitae), Labcorp
Classification: Uncertain significance. Last evaluated: 2025-12-08. Review status: criteria provided, single submitter. Criteria: Invitae Variant Classification Sherloc (09022015). Collection method: clinical testing. Allele origin: germline.
Comment: This variant, c.45_65dup, results in the insertion of 7 amino acid(s) of the GSN protein (p.Ala17_Leu23dup), but otherwise preserves the integrity of the reading frame. This variant is not present in population databases (gnomAD no frequency). This variant has not been reported in the literature in individuals affected with GSN-related conditions. ClinVar contains an entry for this variant (Variation ID: 1446163). In summary, the available evidence is currently insufficient to determine the role of this variant in disease. Therefore, it has been classified as a Variant of Uncertain Significance.

Mayo Clinic Laboratories, Mayo Clinic
Classification: Uncertain significance. Last evaluated: 2025-04-25. Review status: criteria provided, single submitter. Criteria: ACMG Guidelines, 2015. Collection method: clinical testing. Allele origin: germline. Observed: 1 variant allele.
Comment: BS2, PM4

Ambry Genetics
Classification: Uncertain significance for Inborn genetic diseases. Last evaluated: 2023-07-03. Review status: criteria provided, single submitter. Criteria: Ambry Variant Classification Scheme 2023. Collection method: clinical testing. Allele origin: germline.
Comment: The c.45_65dupCCTGGCGCTGTGCGCGCTGTC (p.L23_P24insLALCALS) alteration is located in exon 1 (coding exon 1) of the GSN gene. The alteration consists of an in-frame duplication of 21 nucleotides from position 45 to 65, resulting in the duplication of 7 residues. Based on insufficient or conflicting evidence, the clinical significance of this alteration remains unclear.

Fulgent Genetics
Classification: Uncertain significance for Finnish type amyloidosis. Last evaluated: 2022-04-14. Review status: criteria provided, single submitter. Criteria: ACMG Guidelines, 2015. Collection method: clinical testing. Allele origin: unknown.

NM_198252.3(GSN):c.-9-2057_-9-2037dup

Gene: GSN (gelsolin; plus strand). Cytogenetic location: 9q33.2.
Variant type: Duplication.
Coding change: c.-9-2057_-9-2037dup on transcript NM_198252.3 (MANE Select); 2057 bases into the intron before 9 bases upstream of the start codon through 2037 bases into the intron before 9 bases upstream of the start codon, 21 bases duplicated (CCTGGCGCTGTGCGCGCTGTC).
Molecular consequence: intron variant. On other transcripts: inframe insertion (1).
Genome position (GRCh38, 1-based): chr9:121,299,906-121,299,926, CCTGGCGCTGTGCGCGCTGTC duplicated; duplicating any 21 consecutive bases within chr9:121,299,895-121,299,926 gives the same sequence; the c. name uses the placement nearest the transcript's 3' end. VCF-style (leftmost placement, unchanged base first): chr9-121299894-T-TTGCGCGCTGTCCCTGGCGCTG. GRCh37 (hg19) VCF-style: chr9-124062172-T-TTGCGCGCTGTCCCTGGCGCTG.
Other names: p.Ala17_Leu23dup; c.45_65dup, p.Ala17_Leu23dup (NM_000177.5); c.-9-2057_-9-2037dup (NM_001353054.1, NM_001353053.1, NM_001353060.2 and 5 more transcripts); c.-47-150_-47-130dup (NM_001353064.2, NM_001353066.2, NM_001353072.2 and 8 more transcripts); c.-1-2065_-1-2045dup (NM_001353058.2, NM_001353059.2, NM_001353056.2 and 1 more transcripts); c.-38-159_-38-139dup (NM_001353073.2, NM_001353065.2, NM_001353068.2 and 2 more transcripts); c.100-2057_100-2037dup (NM_001127663.2); c.-32-165_-32-145dup (NM_001353070.2); and 5 more.
Identifiers: ClinVar variation 1446163 (VCV001446163.13), dbSNP rs762432847, ClinGen allele CA590214566.